The following is an entry in ClinVar:

ClinVar aggregate classification (germline): Uncertain significance (1 of 4 stars; one submission).

Conditions:
Duchenne muscular dystrophy (DMD). Also called: MUSCULAR DYSTROPHY, PSEUDOHYPERTROPHIC PROGRESSIVE, DUCHENNE TYPE; Duchenne Muscular Dystrophy (DMD). Identifiers: Orphanet 98896, MedGen C0013264, MONDO:0010679, OMIM 310200.

gnomAD v4.1: 1 of 1,210,884 alleles (0.000083%); highest among the groups gnomAD compares: Admixed American, 0.0022%; no homozygotes.

Submission:

Labcorp Genetics (formerly Invitae), Labcorp
Classification: Uncertain significance for Duchenne muscular dystrophy. Last evaluated: 2025-08-06. Review status: criteria provided, single submitter. Criteria: Invitae Variant Classification Sherloc (09022015). Collection method: clinical testing. Allele origin: germline.
Comment: This sequence change replaces methionine, which is neutral and non-polar, with threonine, which is neutral and polar, at codon 2091 of the DMD protein (p.Met2091Thr). This variant is present in population databases (no rsID available, gnomAD 0.004%). This variant has not been reported in the literature in individuals affected with DMD-related conditions. Invitae Evidence Modeling of protein sequence and biophysical properties (such as structural, functional, and spatial information, amino acid conservation, physicochemical variation, residue mobility, and thermodynamic stability) indicates that this missense variant is not expected to disrupt DMD protein function with a negative predictive value of 95%. In summary, the available evidence is currently insufficient to determine the role of this variant in disease. Therefore, it has been classified as a Variant of Uncertain Significance.

NM_004006.3(DMD):c.6272T>C (p.Met2091Thr)

Gene: DMD (dystrophin; minus strand). Cytogenetic location: Xp21.1.
Variant type: single nucleotide variant.
Coding change: c.6272T>C on transcript NM_004006.3 (MANE Select); coding-DNA position 6272, T replaced by C.
Protein change: p.Met2091Thr; replaces methionine 2091 with threonine.
Molecular consequence: missense variant.
Genome position (GRCh38, 1-based): chrX:32,287,547, A>G on the plus strand (T>C on the coding strand, the complement: DMD is on the minus strand). VCF-style: chrX-32287547-A-G. GRCh37 (hg19) VCF-style: chrX-32305664-A-G.
Other names: c.6248T>C, p.Met2083Thr (NM_000109.4); c.6260T>C, p.Met2087Thr (NM_004009.3); c.5903T>C, p.Met1968Thr (NM_004010.3); c.2249T>C, p.Met750Thr (NM_004011.4); c.2240T>C, p.Met747Thr (NM_004012.4); short protein forms M1968T, M747T, M2091T, M2083T, M2087T, M750T.
Identifiers: ClinVar variation 4713265 (VCV004713265.1).
Genomic context (GRCh38, chrX:32,287,547, plus strand): 5'-ATCATTTCTGCAAGTATCAAGAAAAATATATGTGTTACCTACCCTTGTCGGTCCTTGTAC[A>G]TTTTGTTAACTTTTTCCCATTGGAAATCAAGCTGGGAGAGAGCTTCCTGTAGCTTCACCC-3'
Protein context (NP_003997.2, residues 2081-2101): LDFQWEKVNK[Met2091Thr]YKDRQGRFDR